The following is an entry in ClinVar:

ClinVar aggregate classification (germline): Uncertain significance (1 of 4 stars; one submission).

Conditions:
Fanconi anemia complementation group J. Also called: BRIP1-Related Fanconi Anemia. Identifiers: Orphanet 84, MedGen C1836860, MONDO:0012187, OMIM 609054.
Familial cancer of breast. Also called: BREAST CANCER, FAMILIAL; Hereditary breast cancer; hereditary breast carcinoma. Identifiers: Orphanet 227535, MedGen C0346153, MONDO:0016419, OMIM 114480. Disease mechanism: loss of function.

Allele frequency attached by ClinVar (database versions not stated): TOPMed below 0.00001.

Submission:

Labcorp Genetics (formerly Invitae), Labcorp
Classification: Uncertain significance for Familial cancer of breast; Fanconi anemia complementation group J. Last evaluated: 2024-11-18. Review status: criteria provided, single submitter. Criteria: Invitae Variant Classification Sherloc (09022015). Collection method: clinical testing. Allele origin: germline.
Comment: This sequence change replaces leucine, which is neutral and non-polar, with proline, which is neutral and non-polar, at codon 534 of the BRIP1 protein (p.Leu534Pro). This variant is not present in population databases (gnomAD no frequency). This variant has not been reported in the literature in individuals affected with BRIP1-related conditions. ClinVar contains an entry for this variant (Variation ID: 2949544). Invitae Evidence Modeling of protein sequence and biophysical properties (such as structural, functional, and spatial information, amino acid conservation, physicochemical variation, residue mobility, and thermodynamic stability) indicates that this missense variant is expected to disrupt BRIP1 protein function with a positive predictive value of 95%. In summary, the available evidence is currently insufficient to determine the role of this variant in disease. Therefore, it has been classified as a Variant of Uncertain Significance.

NM_032043.3(BRIP1):c.1601T>C (p.Leu534Pro)

Gene: BRIP1 (BRCA1 interacting DNA helicase 1; minus strand). Cytogenetic location: 17q23.2.
Variant type: single nucleotide variant.
Coding change: c.1601T>C on transcript NM_032043.3 (MANE Select); coding-DNA position 1601, T replaced by C.
Protein change: p.Leu534Pro; replaces leucine 534 with proline.
Molecular consequence: missense variant.
Genome position (GRCh38, 1-based): chr17:61,784,297, A>G on the plus strand (T>C on the coding strand, the complement: BRIP1 is on the minus strand). VCF-style: chr17-61784297-A-G. GRCh37 (hg19) VCF-style: chr17-59861658-A-G.
Other names: short protein forms L534P.
Identifiers: ClinVar variation 2949544 (VCV002949544.3), dbSNP rs2077668103, ClinGen allele CA400480981.